The following is an entry in ClinVar:

ClinVar aggregate classification (germline): Pathogenic (1 of 4 stars; one submission).

Conditions:
Gorlin syndrome. Also called: Nevoid Basal Cell Carcinoma Syndrome; Basal cell nevus syndrome. Identifiers: Orphanet 377, MedGen C0004779, MONDO:0007187.

Submission:

Labcorp Genetics (formerly Invitae), Labcorp
Classification: Pathogenic for Gorlin syndrome. Last evaluated: 2022-11-12. Review status: criteria provided, single submitter. Criteria: Invitae Variant Classification Sherloc (09022015). Collection method: clinical testing. Allele origin: germline.
Comment: This variant is not present in population databases (gnomAD no frequency). This sequence change creates a premature translational stop signal (p.Asn349Lysfs*18) in the PTCH1 gene. It is expected to result in an absent or disrupted protein product. Loss-of-function variants in PTCH1 are known to be pathogenic (PMID: 16301862, 16419085). This variant has not been reported in the literature in individuals affected with PTCH1-related conditions. For these reasons, this variant has been classified as Pathogenic.

Literature cited by the submitters: PubMed 16301862; PubMed 16419085.

NM_000264.5(PTCH1):c.1047del (p.Asn349fs)

Gene: PTCH1 (patched 1; minus strand). Cytogenetic location: 9q22.32.
Variant type: Deletion.
Coding change: c.1047del on transcript NM_000264.5 (MANE Select); coding-DNA position 1047, one base deleted (C; older notation c.1047delC).
Protein change: p.Asn349fs; shifts the reading frame from asparagine 349.
Molecular consequence: frameshift variant. On other transcripts: non-coding transcript variant (1).
Genome position (GRCh38, 1-based): chr9:95,479,989, G deleted on the plus strand (C on the coding strand, the reverse complement: PTCH1 is on the minus strand). VCF-style (leftmost placement, unchanged base first): chr9-95479988-TG-T. GRCh37 (hg19) VCF-style: chr9-98242270-TG-T.
Other names: c.849del, p.Asn283fs (NM_001083602.3); c.1044del, p.Asn348fs (NM_001083603.3); c.594del, p.Asn198fs (NM_001083604.3, NM_001083605.3, NM_001083606.3 and 1 more transcripts); c.1047del, p.Asn349fs (NM_001354918.2); short protein forms N348fs, N349fs, N198fs, N283fs.
Identifiers: ClinVar variation 2813922 (VCV002813922.3), dbSNP rs2538224503, ClinGen allele CA2739264787.